The following is an entry in ClinVar:

ClinVar aggregate classification (germline): Uncertain significance (1 of 4 stars; one submission).

Conditions:
Aicardi-Goutieres syndrome 6 (AGS6). Identifiers: Orphanet 51, MedGen C3539013, MONDO:0014007, OMIM 615010.
Symmetrical dyschromatosis of extremities (DSH). Also called: RETICULATE ACROPIGMENTATION OF DOHI; SYMMETRIC DYSCHROMATOSIS OF THE EXTREMITIES; DYSCHROMATOSIS SYMMETRICA HEREDITARIA 1; Dyschromatosis symmetrica hereditaria. Identifiers: Orphanet 41, MedGen C0406775, MONDO:0007483, OMIM 127400.

Allele frequency attached by ClinVar (database versions not stated): gnomAD exomes below 0.00001; TOPMed below 0.00001; ExAC 0.00001; gnomAD 0.00001.
gnomAD v4.1: 9 of 1,613,964 alleles (0.00056%); highest among the groups gnomAD compares: African/African-American, 0.0027%; no homozygotes.

Submission:

Labcorp Genetics (formerly Invitae), Labcorp
Classification: Uncertain significance for Aicardi-Goutieres syndrome 6; Symmetrical dyschromatosis of extremities. Last evaluated: 2025-09-07. Review status: criteria provided, single submitter. Criteria: Invitae Variant Classification Sherloc (09022015). Collection method: clinical testing. Allele origin: germline.
Comment: This sequence change replaces isoleucine, which is neutral and non-polar, with threonine, which is neutral and polar, at codon 330 of the ADAR protein (p.Ile330Thr). This variant is present in population databases (rs770793371, gnomAD 0.0009%). This variant has not been reported in the literature in individuals affected with ADAR-related conditions. ClinVar contains an entry for this variant (Variation ID: 660493). Invitae Evidence Modeling of protein sequence and biophysical properties (such as structural, functional, and spatial information, amino acid conservation, physicochemical variation, residue mobility, and thermodynamic stability) indicates that this missense variant is not expected to disrupt ADAR protein function with a negative predictive value of 80%. In summary, the available evidence is currently insufficient to determine the role of this variant in disease. Therefore, it has been classified as a Variant of Uncertain Significance.

NM_001111.5(ADAR):c.989T>C (p.Ile330Thr)

Gene: ADAR (adenosine deaminase RNA specific; minus strand). Cytogenetic location: 1q21.3.
Variant type: single nucleotide variant.
Coding change: c.989T>C on transcript NM_001111.5 (MANE Select); coding-DNA position 989, T replaced by C.
Protein change: p.Ile330Thr; replaces isoleucine 330 with threonine.
Molecular consequence: missense variant.
Genome position (GRCh38, 1-based): chr1:154,601,653, A>G on the plus strand (T>C on the coding strand, the complement: ADAR is on the minus strand). VCF-style: chr1-154601653-A-G. GRCh37 (hg19) VCF-style: chr1-154574129-A-G.
Other names: c.104T>C, p.Ile35Thr (NM_001025107.3, NM_001193495.2, NM_001365046.1 and 3 more transcripts); c.1016T>C, p.Ile339Thr (NM_001365045.1); c.989T>C, p.Ile330Thr (NM_015840.4, NM_015841.4, LRG_1212t1); short protein forms I339T, I35T, I330T.
Identifiers: ClinVar variation 660493 (VCV000660493.8), dbSNP rs770793371, ClinGen allele CA1131608.
Genomic context (GRCh38, chr1:154,601,653, plus strand): 5'-GGGGTTGTCCCTTGTCTATAGACATCCCCCTGCCTTTCCATGTCAATTAGCACAGCATTT[A>G]TATCTCGGGCCTTGGTAAGGCCAATATTTTTAGCCAAATTCAGGGCAGAGGAGTCAGACA-3'
Protein context (NP_001102.3, residues 320-340): KNIGLTKARD[Ile330Thr]NAVLIDMERQ